The following is an entry in ClinVar:

ClinVar aggregate classification (germline): Uncertain significance (1 of 4 stars; one submission).

Submission:

GeneDx
Classification: Uncertain significance. Last evaluated: 2023-11-01. Review status: criteria provided, single submitter. Criteria: GeneDx Variant Classification Process June 2021. Collection method: clinical testing. Allele origin: germline. Affected: yes.
Comment: Not observed at significant frequency in large population cohorts (gnomAD); In silico analysis supports that this missense variant does not alter protein structure/function; Has not been previously published as pathogenic or benign to our knowledge

NM_000136.3(FANCC):c.1669C>A (p.Gln557Lys)

Genes: AOPEP (aminopeptidase O (putative); plus strand), FANCC (FA complementation group C; minus strand). Cytogenetic location: 9q22.32.
Variant type: single nucleotide variant.
Coding change: c.1669C>A on transcript NM_000136.3 (MANE Select); coding-DNA position 1669, C replaced by A.
Protein change: p.Gln557Lys; replaces glutamine 557 with lysine.
Molecular consequence: missense variant.
Genome position (GRCh38, 1-based): chr9:95,101,715, G>T on the plus strand (C>A on the coding strand, the complement: FANCC is on the minus strand). VCF-style: chr9-95101715-G-T. GRCh37 (hg19) VCF-style: chr9-97863997-G-T.
Other names: c.1669C>A, p.Gln557Lys (NM_001243743.2); short protein forms Q557K.
Identifiers: ClinVar variation 3363874 (VCV003363874.1).
Genomic context (GRCh38, chr9:95,101,715, plus strand): 5'-CCCTGGCGAGCCTGATCCCTCACGCCGGGCACCCACACGGCCTGCGTGCCTTCTAGACTT[G>T]AGTTCGCAGCTCTTTAAGGAGCTCTCGGGCCAGTTTTTCTGATCTAGGGCTTTCAATGCC-3'
Protein context (NP_000127.2, residues 547-558): ARELLKELRT[Gln557Lys]V